The following is an entry in ClinVar:

NM_004612.4(TGFBR1):c.445C>G (p.His149Asp)

Gene: TGFBR1 (transforming growth factor beta receptor 1; plus strand). Cytogenetic location: 9q22.33.
Variant type: single nucleotide variant.
Coding change: c.445C>G on transcript NM_004612.4 (MANE Select); coding-DNA position 445, C replaced by G.
Protein change: p.His149Asp; replaces histidine 149 with aspartic acid.
Molecular consequence: missense variant. On other transcripts: intron variant (1).
Genome position (GRCh38, 1-based): chr9:99,132,610, C>G. VCF-style: chr9-99132610-C-G. GRCh37 (hg19) VCF-style: chr9-101894892-C-G.
Other names: c.445C>G (NM_004612.3); c.457C>G, p.His153Asp (NM_001306210.2, NM_001407416.1); c.445C>G, p.His149Asp (NM_001407417.1, NM_001407435.1); c.250C>G, p.His84Asp (NM_001407418.1, NM_001407419.1, NM_001407420.1 and 1 more transcripts); c.238C>G, p.His80Asp (NM_001407423.1, NM_001407424.1, NM_001407425.1 and 8 more transcripts); c.199C>G, p.His67Asp (NM_001407436.1); c.343+3510C>G (NM_001130916.3); short protein forms H153D, H80D, H84D, H149D, H67D.
Identifiers: ClinVar variation 2082005 (VCV002082005.5), dbSNP rs2490143081, ClinGen allele CA374228069.
Genomic context (GRCh38, chr9:99,132,610, plus strand): 5'-GTCATTGCTGGACCAGTGTGCTTCGTCTGCATCTCACTCATGTTGATGGTCTATATCTGC[C>G]ACAACCGCACTGTCATTCACCATCGAGTGCCAAATGAAGAGGACCCTTCATTAGATCGCC-3'
Protein context (NP_004603.1, residues 139-159): ISLMLMVYIC[His149Asp]NRTVIHHRVP

ClinVar aggregate classification (germline): Uncertain significance. Review status: criteria provided, multiple submitters, no conflicts (2 of 4 stars). 3 submissions from 3 submitters: Uncertain significance (3). Last evaluated 2026-03-27.

Conditions:
Cardiovascular phenotype. Identifiers: MedGen CN230736.
Familial thoracic aortic aneurysm and aortic dissection (TAAD). Also called: Thoracic aortic aneurysms and dissections. Identifiers: Orphanet 91387, MedGen C4707243, MONDO:0019625.

Allele frequency attached by ClinVar (database versions not stated): gnomAD exomes below 0.00001.
gnomAD v4.1: 1 of 1,614,154 alleles (0.000062%); highest among the groups gnomAD compares: Non-Finnish European, 0.000085%; no homozygotes.

Submissions (3):

Molecular Diagnostic Laboratory for Inherited Cardiovascular Disease, Montreal Heart Institute
Classification: Uncertain significance for Cardiovascular phenotype. Last evaluated: 2026-03-27. Review status: criteria provided, single submitter. Criteria: ACMG Guidelines, 2015. Collection method: clinical testing. Allele origin: germline. Affected: yes.
Comment: PM2, PP2

Color Diagnostics, LLC DBA Color Health
Classification: Uncertain significance for Familial thoracic aortic aneurysm and aortic dissection. Last evaluated: 2025-10-20. Review status: criteria provided, single submitter. Criteria: ACMG Guidelines, 2015. Collection method: clinical testing. Allele origin: germline.
Comment: This missense variant replaces histidine with aspartic acid at codon 149 of the TGFBR1 protein. Computational prediction suggests that this variant may not impact protein structure and function. To our knowledge, functional studies have not been reported for this variant. This variant has not been reported in individuals affected with TGFBR1-related disorders in the literature. This variant has been identified in 1/1461868 chromosomes in the general population by the Genome Aggregation Database (gnomAD). The available evidence is insufficient to determine the role of this variant in disease conclusively. Therefore, this variant is classified as a Variant of Uncertain Significance.

Labcorp Genetics (formerly Invitae), Labcorp
Classification: Uncertain significance for Familial thoracic aortic aneurysm and aortic dissection. Last evaluated: 2025-07-21. Review status: criteria provided, single submitter. Criteria: Invitae Variant Classification Sherloc (09022015). Collection method: clinical testing. Allele origin: germline.
Comment: This sequence change replaces histidine, which is basic and polar, with aspartic acid, which is acidic and polar, at codon 149 of the TGFBR1 protein (p.His149Asp). This variant is not present in population databases (gnomAD no frequency). This variant has not been reported in the literature in individuals affected with TGFBR1-related conditions. ClinVar contains an entry for this variant (Variation ID: 2082005). Invitae Evidence Modeling of protein sequence and biophysical properties (such as structural, functional, and spatial information, amino acid conservation, physicochemical variation, residue mobility, and thermodynamic stability) indicates that this missense variant is not expected to disrupt TGFBR1 protein function with a negative predictive value of 95%. In summary, the available evidence is currently insufficient to determine the role of this variant in disease. Therefore, it has been classified as a Variant of Uncertain Significance.